The following is an entry in ClinVar:

NM_014762.4(DHCR24):c.1412A>C (p.Tyr471Ser)

Gene: DHCR24 (24-dehydrocholesterol reductase; minus strand). Cytogenetic location: 1p32.3.
Variant type: single nucleotide variant.
Coding change: c.1412A>C on transcript NM_014762.4 (MANE Select); coding-DNA position 1412, A replaced by C.
Protein change: p.Tyr471Ser; replaces tyrosine 471 with serine.
Molecular consequence: missense variant.
Genome position (GRCh38, 1-based): chr1:54,852,372, T>G on the plus strand (A>C on the coding strand, the complement: DHCR24 is on the minus strand). VCF-style: chr1-54852372-T-G. GRCh37 (hg19) VCF-style: chr1-55318045-T-G.
Other names: short protein forms Y471S.
Identifiers: ClinVar variation 4367 (VCV000004367.2), dbSNP rs28939092, ClinGen allele CA116778.

ClinVar aggregate classification (germline): Likely pathogenic. Review status: criteria provided, single submitter (1 of 4 stars). 2 submissions from 2 submitters: Likely pathogenic (1). 1 of the submissions does not count toward it. Last evaluated 2024-11-06.

Conditions:
Desmosterolosis. Identifiers: Orphanet 35107, MedGen C1865596, MONDO:0011217, OMIM 602398.

Allele frequency attached by ClinVar (database versions not stated): gnomAD exomes below 0.00001.
gnomAD v4.1: 2 of 1,614,070 alleles (0.00012%); highest among the groups gnomAD compares: Non-Finnish European, 0.00017%; no homozygotes.

Submissions (2):

Women's Health and Genetics/Laboratory Corporation of America, LabCorp
Classification: Likely pathogenic for Desmosterolosis. Last evaluated: 2024-11-06. Review status: criteria provided, single submitter. Criteria: LabCorp Variant Classification Summary - May 2015. Collection method: clinical testing. Allele origin: germline.
Comment: Variant summary: DHCR24 c.1412A>C (p.Tyr471Ser) results in a non-conservative amino acid change in the encoded protein sequence. Five of five in-silico tools predict a damaging effect of the variant on protein function. The variant allele was found at a frequency of 4e-06 in 250290 control chromosomes. c.1412A>C has been reported in the literature in at-least one individual affected with Desmosterolosis (example, Waterham_2001). At least one publication reports experimental evidence evaluating an impact on protein function (Waterham_2001). The most pronounced variant effect results in undetectable normal activity in yeasts. The following publication has been ascertained in the context of this evaluation (PMID: 11519011). ClinVar contains an entry for this variant (Variation ID: 4367). Based on the evidence outlined above, the variant was classified as likely pathogenic.

OMIM
Classification: Pathogenic for DESMOSTEROLOSIS. Last evaluated: 2001-10-01. Review status: no assertion criteria provided. Collection method: literature only. Allele origin: germline. Not counted in ClinVar's aggregate classification.

Literature cited by the submitters: PubMed 11519011 (cited by Women's Health and Genetics/Laboratory Corporation of America, LabCorp and OMIM).